The following is an entry in ClinVar:

ClinVar aggregate classification (germline): Uncertain significance (1 of 4 stars; one submission).

gnomAD v4.1: 2 of 1,614,212 alleles (0.00012%); highest among the groups gnomAD compares: South Asian, 0.0011%; no homozygotes.

Submission:

Women's Health and Genetics/Laboratory Corporation of America, LabCorp
Classification: Uncertain significance. Last evaluated: 2024-10-02. Review status: criteria provided, single submitter. Criteria: LabCorp Variant Classification Summary - May 2015. Collection method: clinical testing. Allele origin: germline.
Comment: Variant summary: LDLRAP1 c.281C>A (p.Pro94Gln) results in a non-conservative amino acid change located in the PTB/PI domain (IPR006020) of the encoded protein sequence. Four of five in-silico tools predict a damaging effect of the variant on protein function. The variant allele was found at a frequency of 4e-06 in 251392 control chromosomes. The available data on variant occurrences in the general population are insufficient to allow any conclusion about variant significance. c.281C>A has been reported in the literature in individuals affected with Familial Hypercholesterolemia (e.g., Razman_2022), however without strong evidence for causality (e.g., lack of detailed genotypic and segregation data). These report(s) do not provide unequivocal conclusions about association of the variant with Familial Hypercholesterolemia. To our knowledge, no experimental evidence demonstrating an impact on protein function has been reported. The following publication was ascertained in the context of this evaluation (PMID: 36499307). No submitters have cited clinical-significance assessments for this variant to ClinVar. Based on the evidence outlined above, the variant was classified as uncertain significance.

Literature cited by the submitters: PubMed 36499307.

NM_015627.3(LDLRAP1):c.281C>A (p.Pro94Gln)

Gene: LDLRAP1 (low density lipoprotein receptor adaptor protein 1; plus strand). Cytogenetic location: 1p36.11.
Variant type: single nucleotide variant.
Coding change: c.281C>A on transcript NM_015627.3 (MANE Select); coding-DNA position 281, C replaced by A.
Protein change: p.Pro94Gln; replaces proline 94 with glutamine.
Molecular consequence: missense variant.
Genome position (GRCh38, 1-based): chr1:25,554,909, C>A. VCF-style: chr1-25554909-C-A. GRCh37 (hg19) VCF-style: chr1-25881400-C-A.
Other names: short protein forms P94Q.
Identifiers: ClinVar variation 3384978 (VCV003384978.1).